The following is an entry in ClinVar:

ClinVar aggregate classification (germline): Uncertain significance. Review status: criteria provided, multiple submitters, no conflicts (2 of 4 stars). 2 submissions from 2 submitters: Uncertain significance (2). Last evaluated 2022-10-24.

Conditions:
Biotin-responsive basal ganglia disease (BTBGD). Also called: THIAMINE METABOLISM DYSFUNCTION SYNDROME 2 (BIOTIN- AND THIAMINE-RESPONSIVE TYPE); Thiamine metabolism dysfunction syndrome 2 (biotin- or thiamine-responsive encephalopathy type 2); thiamine-responsive encephalopathy; Thiamine metabolism dysfunction syndrome type 2; Thiamine Transporter-2 Deficiency. Identifiers: Orphanet 199348, Orphanet 65284, MedGen C1843807, MONDO:0011841, OMIM 607483.

Allele frequency attached by ClinVar (database versions not stated): gnomAD exomes 0.00001 and 0.00003; TOPMed 0.00001; ExAC 0.00002; gnomAD 0.00002 and 0.00003; 1000 Genomes Project 30x 0.00016; 1000 Genomes Project 0.00020.

Submissions (2):

Labcorp Genetics (formerly Invitae), Labcorp
Classification: Uncertain significance for Biotin-responsive basal ganglia disease. Last evaluated: 2022-10-24. Review status: criteria provided, single submitter. Criteria: Invitae Variant Classification Sherloc (09022015). Collection method: clinical testing. Allele origin: germline.
Comment: This sequence change replaces glycine, which is neutral and non-polar, with cysteine, which is neutral and slightly polar, at codon 87 of the SLC19A3 protein (p.Gly87Cys). This variant is present in population databases (rs200102807, gnomAD 0.06%). This variant has not been reported in the literature in individuals affected with SLC19A3-related conditions. ClinVar contains an entry for this variant (Variation ID: 647404). Advanced modeling of protein sequence and biophysical properties (such as structural, functional, and spatial information, amino acid conservation, physicochemical variation, residue mobility, and thermodynamic stability) performed at Invitae indicates that this missense variant is not expected to disrupt SLC19A3 protein function. In summary, the available evidence is currently insufficient to determine the role of this variant in disease. Therefore, it has been classified as a Variant of Uncertain Significance.

Illumina Laboratory Services, Illumina
Classification: Uncertain significance for Biotin-responsive basal ganglia disease. Last evaluated: 2018-01-13. Review status: criteria provided, single submitter. Criteria: ICSL Variant Classification Criteria 13 December 2019. Collection method: clinical testing. Allele origin: germline.

NM_025243.4(SLC19A3):c.259G>T (p.Gly87Cys)

Gene: SLC19A3 (solute carrier family 19 member 3; minus strand). Cytogenetic location: 2q36.3.
Variant type: single nucleotide variant.
Coding change: c.259G>T on transcript NM_025243.4 (MANE Select); coding-DNA position 259, G replaced by T.
Protein change: p.Gly87Cys; replaces glycine 87 with cysteine.
Molecular consequence: missense variant.
Genome position (GRCh38, 1-based): chr2:227,699,456, C>A on the plus strand (G>T on the coding strand, the complement: SLC19A3 is on the minus strand). VCF-style: chr2-227699456-C-A. GRCh37 (hg19) VCF-style: chr2-228564172-C-A.
Other names: short protein forms G87C.
Identifiers: ClinVar variation 647404 (VCV000647404.6), dbSNP rs200102807, ClinGen allele CA2149343.